The following is an entry in ClinVar:

NM_000808.4(GABRA3):c.492G>C (p.Met164Ile)

Gene: GABRA3 (gamma-aminobutyric acid type A receptor subunit alpha3; minus strand). Cytogenetic location: Xq28.
Variant type: single nucleotide variant.
Coding change: c.492G>C on transcript NM_000808.4 (MANE Select); coding-DNA position 492, G replaced by C.
Protein change: p.Met164Ile; replaces methionine 164 with isoleucine.
Molecular consequence: missense variant.
Genome position (GRCh38, 1-based): chrX:152,255,837, C>G on the plus strand (G>C on the coding strand, the complement: GABRA3 is on the minus strand). VCF-style: chrX-152255837-C-G. GRCh37 (hg19) VCF-style: chrX-151424309-C-G.
Other names: short protein forms M164I.
Identifiers: ClinVar variation 4689887 (VCV004689887.1).

ClinVar aggregate classification (germline): Uncertain significance (1 of 4 stars; one submission).

Submission:

GeneDx
Classification: Uncertain significance. Last evaluated: 2025-07-28. Review status: criteria provided, single submitter. Criteria: GeneDx Variant Classification Process June 2021. Collection method: clinical testing. Allele origin: germline. Affected: yes.
Comment: Not observed at significant frequency in large population cohorts (gnomAD); Has not been previously published as pathogenic or benign to our knowledge; In silico analysis suggests that this missense variant does not alter protein structure/function; Variants in candidate genes are classified as variants of uncertain significance in accordance with ACMG guidelines (PMID: 25741868)